The following is an entry in ClinVar:

ClinVar aggregate classification (germline): Likely pathogenic (1 of 4 stars; one submission).

Conditions:
Polysyndactyly 4. Also called: Polysyndactyly uncomplicated; Preaxial polydactyly 4. Identifiers: Orphanet 93338, MedGen C1868111, MONDO:0008272, OMIM 174700.
Greig cephalopolysyndactyly syndrome (GCPS). Also called: Greig syndrome; GLI3-Related Greig Cephalopolysyndactyly Syndrome; POLYSYNDACTYLY WITH PECULIAR SKULL SHAPE. Identifiers: Orphanet 380, MedGen C0265306, MONDO:0008287, OMIM 175700.
Polydactyly, postaxial, type A1. Identifiers: MedGen C4282400, MONDO:0008266, OMIM 174200.
Pallister-Hall syndrome (PHS). Also called: GLI3-Related Pallister-Hall Syndrome; HYPOTHALAMIC HAMARTOBLASTOMA, HYPOPITUITARISM, IMPERFORATE ANUS, AND POSTAXIAL POLYDACTYLY. Identifiers: Orphanet 672, MedGen C0265220, MONDO:0007804, OMIM 146510.

Submission:

Molecular Genetics Department, Kulakov National Medical Research Center for Obstetrics, Gynecology and Perinatology
Classification: Likely pathogenic for Greig cephalopolysyndactyly syndrome; Pallister-Hall syndrome; Polydactyly, postaxial, type A1; Polysyndactyly 4. Review status: criteria provided, single submitter. Criteria: ACMG Guidelines, 2015. Collection method: clinical testing. Allele origin: germline. Affected: yes.
Comment: A previously undescribed nucleotide variant creates a frameshift p.Ser445ProfsTer26 in the GLI3 gene. Loss-of-function variants are reported in patients with Greig cephalopolysyndactyly syndrome, 175700, Pallister-Hall syndrome, 146510, Polydactyly, postaxial, types A1 and B, 174200, Polydactyly, preaxial, type IV, 174700. The variant is not present in population database (gnomAD no frequency). In summary, the currently available evidence indicates that the variant is pathogenic, but additional data are needed to prove that conclusively. Therefore, this variant has been classified as likely pathogenic.

NM_000168.6(GLI3):c.1325_1328dup (p.Ser445fs)

Gene: GLI3 (GLI family zinc finger 3; minus strand). Cytogenetic location: 7p14.1.
Variant type: Duplication.
Coding change: c.1325_1328dup on transcript NM_000168.6 (MANE Select); coding-DNA positions 1325 to 1328, 4 bases duplicated (ACCT; older notation c.1325_1328dupACCT).
Protein change: p.Ser445fs; shifts the reading frame from serine 445.
Molecular consequence: frameshift variant.
Genome position (GRCh38, 1-based): chr7:42,025,292-42,025,295, AGGT duplicated on the plus strand (ACCT on the coding strand, the reverse complement: GLI3 is on the minus strand). VCF-style (leftmost placement, unchanged base first): chr7-42025291-G-GAGGT. GRCh37 (hg19) VCF-style: chr7-42064890-G-GAGGT.
Other names: short protein forms S445fs.
Identifiers: ClinVar variation 3062247 (VCV003062247.1), dbSNP rs2484647959, ClinGen allele CA2740097352.